The following is an entry in ClinVar:

NM_018706.7(DHTKD1):c.1999G>C (p.Asp667His)

Gene: DHTKD1 (dehydrogenase E1 and transketolase domain containing 1; plus strand). Cytogenetic location: 10p14.
Variant type: single nucleotide variant.
Coding change: c.1999G>C on transcript NM_018706.7 (MANE Select); coding-DNA position 1999, G replaced by C.
Protein change: p.Asp667His; replaces aspartic acid 667 with histidine.
Molecular consequence: missense variant.
Genome position (GRCh38, 1-based): chr10:12,106,348, G>C. VCF-style: chr10-12106348-G-C. GRCh37 (hg19) VCF-style: chr10-12148347-G-C.
Other names: short protein forms D667H.
Identifiers: ClinVar variation 2778981 (VCV002778981.3), dbSNP rs371485560, ClinGen allele CA376011524.

ClinVar aggregate classification (germline): Uncertain significance (1 of 4 stars; one submission).

Conditions:
2-aminoadipic 2-oxoadipic aciduria (AAKAD). Also called: Aminoadipic aciduria; ALPHA-AMINOADIPIC AND ALPHA-KETOADIPIC ACIDURIA. Identifiers: Orphanet 79154, MedGen C1859817, MONDO:0008774, OMIM 204750.

gnomAD v4.1: 5 of 1,614,186 alleles (0.00031%); highest among the groups gnomAD compares: Non-Finnish European, 0.00042%; no homozygotes.

Submission:

Labcorp Genetics (formerly Invitae), Labcorp
Classification: Uncertain significance for 2-aminoadipic 2-oxoadipic aciduria. Last evaluated: 2024-03-09. Review status: criteria provided, single submitter. Criteria: Invitae Variant Classification Sherloc (09022015). Collection method: clinical testing. Allele origin: germline.
Comment: This sequence change replaces aspartic acid, which is acidic and polar, with histidine, which is basic and polar, at codon 667 of the DHTKD1 protein (p.Asp667His). This variant is not present in population databases (gnomAD no frequency). This variant has not been reported in the literature in individuals affected with DHTKD1-related conditions. Advanced modeling of protein sequence and biophysical properties (such as structural, functional, and spatial information, amino acid conservation, physicochemical variation, residue mobility, and thermodynamic stability) performed at Invitae indicates that this missense variant is expected to disrupt DHTKD1 protein function with a positive predictive value of 80%. In summary, the available evidence is currently insufficient to determine the role of this variant in disease. Therefore, it has been classified as a Variant of Uncertain Significance.